The following is an entry in ClinVar:

NM_000426.4(LAMA2):c.4814_4830del (p.Pro1605fs)

Gene: LAMA2 (laminin subunit alpha 2; plus strand). Cytogenetic location: 6q22.33.
Variant type: Deletion.
Coding change: c.4814_4830del on transcript NM_000426.4 (MANE Select); coding-DNA positions 4814 to 4830, 17 bases deleted (CATATAAAATGCTGTAT).
Protein change: p.Pro1605fs; shifts the reading frame from proline 1605.
Molecular consequence: frameshift variant.
Genome position (GRCh38, 1-based): chr6:129,366,315-129,366,331, CATATAAAATGCTGTAT deleted. VCF-style (leftmost placement, unchanged base first): chr6-129366314-CCATATAAAATGCTGTAT-C. GRCh37 (hg19) VCF-style: chr6-129687459-CCATATAAAATGCTGTAT-C.
Other names: c.4814_4830del, p.Pro1605fs (NM_001079823.2); short protein forms P1605fs.
Identifiers: ClinVar variation 1075439 (VCV001075439.8), dbSNP rs2114620061, ClinGen allele CA2499218074.
Genomic context (GRCh38, chr6:129,366,314, plus strand): 5'-GACTTGGCTCGCCTGGAGCAGATGGTCATGAGCATCAACCTCACTGGTCCGCTGCCTGCG[CCATATAAAATGCTGTAT>C]GGTCTTGAAAATATGACTCAGGAGCTAAAGGTAGGTTGGTGCAGTCACAAGCAAGGGCCA-3'

ClinVar aggregate classification (germline): Pathogenic (1 of 4 stars; one submission).

Conditions:
LAMA2-related muscular dystrophy (LAMA2-RD). Also called: Laminin alpha 2-related dystrophy. Identifiers: MedGen C5679788, MONDO:0100228.

Submission:

Labcorp Genetics (formerly Invitae), Labcorp
Classification: Pathogenic for LAMA2-related muscular dystrophy. Last evaluated: 2020-03-29. Review status: criteria provided, single submitter. Criteria: Invitae Variant Classification Sherloc (09022015). Collection method: clinical testing. Allele origin: germline.
Comment: For these reasons, this variant has been classified as Pathogenic. Loss-of-function variants in LAMA2 are known to be pathogenic (PMID: 18700894). This variant has not been reported in the literature in individuals with LAMA2-related conditions. This variant is not present in population databases (ExAC no frequency). This sequence change creates a premature translational stop signal (p.Pro1605Argfs*3) in the LAMA2 gene. It is expected to result in an absent or disrupted protein product.

Literature cited by the submitters: PubMed 18700894.